The following is an entry in ClinVar:

ClinVar aggregate classification (germline): Uncertain significance (1 of 4 stars; one submission).

Conditions:
Dilated cardiomyopathy 1HH (CMD1HH). Identifiers: Orphanet 154, MedGen C3151293, MONDO:0013479, OMIM 613881.

Submission:

Baylor Genetics
Classification: Uncertain significance for Dilated cardiomyopathy 1HH. Last evaluated: 2018-04-11. Review status: criteria provided, single submitter. Criteria: ACMG Guidelines, 2015. Collection method: clinical testing. Allele origin: maternal. Affected: yes.
Comment: This variant was determined to be of uncertain significance according to ACMG Guidelines, 2015 [PMID:25741868].

NM_004281.4(BAG3):c.-2G>T

Gene: BAG3 (BAG cochaperone 3; plus strand). Cytogenetic location: 10q26.11.
Variant type: single nucleotide variant.
Coding change: c.-2G>T on transcript NM_004281.4 (MANE Select); 2 bases upstream of the start codon, G replaced by T.
Molecular consequence: 5 prime UTR variant.
Genome position (GRCh38, 1-based): chr10:119,651,674, G>T. VCF-style: chr10-119651674-G-T. GRCh37 (hg19) VCF-style: chr10-121411186-G-T.
Identifiers: ClinVar variation 1031400 (VCV001031400.1), dbSNP rs1846841562, ClinGen allele CA653825897.